The following is an entry in ClinVar:

NM_015570.4(AUTS2):c.309+8G>A

Gene: AUTS2 (activator of transcription and developmental regulator AUTS2; plus strand). Cytogenetic location: 7q11.22.
Variant type: single nucleotide variant.
Coding change: c.309+8G>A on transcript NM_015570.4 (MANE Select); 8 bases into the intron after coding-DNA position 309, G replaced by A.
Molecular consequence: intron variant.
Genome position (GRCh38, 1-based): chr7:69,599,970, G>A. VCF-style: chr7-69599970-G-A. GRCh37 (hg19) VCF-style: chr7-69064956-G-A.
Other names: c.309+8G>A (NM_001127231.3, NM_001127232.3).
Identifiers: ClinVar variation 1676562 (VCV001676562.3), dbSNP rs1792285778, ClinGen allele CA1102723352.

ClinVar aggregate classification (germline): Uncertain significance (1 of 4 stars; one submission).

Submission:

Greenwood Genetic Center Diagnostic Laboratories, Greenwood Genetic Center
Classification: Uncertain significance. Last evaluated: 2022-01-31. Review status: criteria provided, single submitter. Criteria: ACMG Guidelines, 2015. Collection method: clinical testing. Allele origin: germline. Affected: yes.
Comment: PM2